The following is an entry in ClinVar:

ClinVar aggregate classification (germline): Conflicting classifications of pathogenicity. Review status: criteria provided, conflicting classifications (1 of 4 stars). 4 submissions from 4 submitters: Uncertain significance (3); Likely benign (1). Last evaluated 2025-08-26.

Conditions:
Cardiomyopathy (CMYO). Also called: Cardiomyopathies. Identifiers: Orphanet 167848, MedGen C0878544, MONDO:0004994, HP:0001638. Inheritance: Various modes of inheritance.
Cardiovascular phenotype. Identifiers: MedGen CN230736.
Dilated cardiomyopathy 1W (CMD1W). Identifiers: Orphanet 154, MedGen C1969639, MONDO:0012667, OMIM 611407.

Allele frequency attached by ClinVar (database versions not stated): gnomAD 0.00003 and 0.00004; TOPMed 0.00003; ExAC 0.00004; gnomAD exomes 0.00005.
gnomAD v4.1: 81 of 1,613,564 alleles (0.005%); highest among the groups gnomAD compares: Admixed American, 0.017%; no homozygotes.

Submissions (4):

Labcorp Genetics (formerly Invitae), Labcorp
Classification: Uncertain significance for Dilated cardiomyopathy 1W. Last evaluated: 2025-08-26. Review status: criteria provided, single submitter. Criteria: Invitae Variant Classification Sherloc (09022015). Collection method: clinical testing. Allele origin: germline.
Comment: This sequence change replaces arginine, which is basic and polar, with cysteine, which is neutral and slightly polar, at codon 512 of the VCL protein (p.Arg512Cys). This variant is present in population databases (rs781079975, gnomAD 0.02%). This variant has not been reported in the literature in individuals affected with VCL-related conditions. ClinVar contains an entry for this variant (Variation ID: 468808). An algorithm developed to predict the effect of missense changes on protein structure and function (PolyPhen-2) suggests that this variant is likely to be disruptive. In summary, the available evidence is currently insufficient to determine the role of this variant in disease. Therefore, it has been classified as a Variant of Uncertain Significance.

Ambry Genetics
Classification: Uncertain significance for Cardiovascular phenotype. Last evaluated: 2025-04-20. Review status: criteria provided, single submitter. Criteria: Ambry Variant Classification Scheme 2023. Collection method: clinical testing. Allele origin: germline.
Comment: The p.R512C variant (also known as c.1534C>T), located in coding exon 11 of the VCL gene, results from a C to T substitution at nucleotide position 1534. The arginine at codon 512 is replaced by cysteine, an amino acid with highly dissimilar properties. This amino acid position is not well conserved in available vertebrate species. In addition, the in silico prediction for this alteration is inconclusive. Since supporting evidence is limited at this time, the clinical significance of this alteration remains unclear.

CHEO Genetics Diagnostic Laboratory, Children's Hospital of Eastern Ontario
Classification: Uncertain significance for Cardiomyopathy. Last evaluated: 2019-10-30. Review status: criteria provided, single submitter. Criteria: ACMG Guidelines, 2015. Collection method: clinical testing. Allele origin: germline.

Laboratory for Molecular Medicine, Mass General Brigham Personalized Medicine
Classification: Likely benign. Last evaluated: 2018-06-02. Review status: criteria provided, single submitter. Criteria: ACMG Guidelines, 2015. Collection method: clinical testing. Allele origin: germline.
Comment: The p.Arg512Cys variant in VCL has not been previously reported in the literature, but has been reported as a variant of uncertain significance in ClinVar (Variation ID 468808). It has been identified in 0.02% (7/34278) of Latino chromosomes by the Genome Aggregation Database (gnomAD; dbSNP rs781079975). Computational prediction tools and conservation analysis suggest that the variant may not impact the protein, though this information is not predictive enough to rule out pathogenicity. In summary, the aggregate of evidence suggests the p.Arg512Cys variant is likely benign. ACMG/AMP criteria applied: BS1_Supporting, BP4, BP5.

NM_014000.3(VCL):c.1534C>T (p.Arg512Cys)

Gene: VCL (vinculin; plus strand). Cytogenetic location: 10q22.2.
Variant type: single nucleotide variant.
Coding change: c.1534C>T on transcript NM_014000.3 (MANE Select); coding-DNA position 1534, C replaced by T.
Protein change: p.Arg512Cys; replaces arginine 512 with cysteine.
Molecular consequence: missense variant.
Genome position (GRCh38, 1-based): chr10:74,094,452, C>T. VCF-style: chr10-74094452-C-T. GRCh37 (hg19) VCF-style: chr10-75854210-C-T.
Other names: c.1534C>T, p.Arg512Cys (NM_003373.4); short protein forms R512C.
Identifiers: ClinVar variation 468808 (VCV000468808.18), dbSNP rs781079975, ClinGen allele CA5563020.